The following is an entry in ClinVar:

NM_001540.5(HSPB1):c.365-96C>G

Gene: HSPB1 (heat shock protein family B (small) member 1; plus strand). Cytogenetic location: 7q11.23.
Variant type: single nucleotide variant.
Coding change: c.365-96C>G on transcript NM_001540.5 (MANE Select); 96 bases into the intron before coding-DNA position 365, C replaced by G.
Molecular consequence: intron variant.
Genome position (GRCh38, 1-based): chr7:76,303,706, C>G. VCF-style: chr7-76303706-C-G. GRCh37 (hg19) VCF-style: chr7-75933023-C-G.
Identifiers: ClinVar variation 2657622 (VCV002657622.24), dbSNP rs183197195, ClinGen allele CA160900938.

ClinVar aggregate classification (germline): Likely benign (1 of 4 stars; one submission).

Allele frequency attached by ClinVar (database versions not stated): 1000 Genomes Project 0.00020; 1000 Genomes Project 30x 0.00031; gnomAD 0.00123; TOPMed 0.00137.
gnomAD v4.1: 1,647 of 1,033,364 alleles (0.16%); highest among the groups gnomAD compares: Non-Finnish European, 0.2%; 6 homozygotes.

Submission:

CeGaT Center for Human Genetics Tuebingen
Classification: Likely benign. Last evaluated: 2026-03-01. Review status: criteria provided, single submitter. Criteria: CeGaT Center For Human Genetics Tuebingen Variant Classification Criteria Version 2. Collection method: clinical testing. Allele origin: germline. Affected: yes. Observed: 6 variant alleles.
Comment: HSPB1: BS1